The following is an entry in ClinVar:

NM_000463.3(UGT1A1):c.1470C>T (p.Asp490=)

Genes: UGT1A9 (UDP glucuronosyltransferase family 1 member A9; plus strand), UGT1A4 (UDP glucuronosyltransferase family 1 member A4; plus strand), UGT1A5 (UDP glucuronosyltransferase family 1 member A5; plus strand), UGT1A3 (UDP glucuronosyltransferase family 1 member A3; plus strand), UGT1A6 (UDP glucuronosyltransferase family 1 member A6; plus strand) and 5 more. Cytogenetic location: 2q37.1.
Variant type: single nucleotide variant.
Coding change: c.1470C>T on transcript NM_000463.3 (MANE Select); coding-DNA position 1470, C replaced by T.
Protein change: p.Asp490=; no amino-acid change (aspartic acid 490 retained).
Molecular consequence: synonymous variant.
Genome position (GRCh38, 1-based): chr2:233,772,427, C>T. VCF-style: chr2-233772427-C-T. GRCh37 (hg19) VCF-style: chr2-234681073-C-T.
Other names: c.1461C>T, p.Asp487= (NM_019075.4, NM_019076.5, NM_019077.3 and 1 more transcripts); c.1467C>T, p.Asp489= (NM_001072.4); c.666C>T, p.Asp222= (NM_205862.3); c.1473C>T, p.Asp491= (NM_019078.2, NM_007120.3, NM_019093.4).
Identifiers: ClinVar variation 596165 (VCV000596165.6), dbSNP rs114123636, ClinGen allele CA2180136.
Genomic context (GRCh38, chr2:233,772,427, plus strand): 5'-CGCGCCACACCTGCGCCCCGCAGCCCACGACCTCACCTGGTACCAGTACCATTCCTTGGA[C>T]GTGATTGGTTTCCTCTTGGCCGTCGTGCTGACAGTGGCCTTCATCACCTTTAAATGTTGT-3'
Protein context (NP_000454.1, residues 480-500): DLTWYQYHSL[Asp490=]VIGFLLAVVL

ClinVar aggregate classification (germline): Uncertain significance. Review status: criteria provided, multiple submitters, no conflicts (2 of 4 stars). 2 submissions from 2 submitters: Uncertain significance (2). Last evaluated 2026-09-12.

Conditions:
UGT1A1-related disorder. Also called: UGT1A1-related condition; UGT1A1-related disorders.

Allele frequency attached by ClinVar (database versions not stated): ExAC 0.00006; gnomAD 0.00006 and 0.00007; gnomAD exomes 0.00009; TOPMed 0.00009; ESP Exome Variant Server 0.00015; 1000 Genomes Project 30x 0.00031; 1000 Genomes Project 0.00040.
gnomAD v4.1: 177 of 1,614,220 alleles (0.011%); highest among the groups gnomAD compares: East Asian, 0.087%; no homozygotes.

Submissions (2):

PreventionGenetics, part of Exact Sciences
Classification: Uncertain significance for UGT1A1-related condition. Last evaluated: 2026-09-12. Review status: criteria provided, single submitter. Criteria: ACMG Guidelines, 2015. Collection method: clinical testing. Allele origin: germline.
Comment: The UGT1A1 c.1470C>T variant is not predicted to result in an amino acid change (p.=). This variant is not predicted to impact splicing based on available splicing prediction programs (SpliceAI, Jaganathan et al. 2019. PubMed ID: 30661751; Alamut Visual v1.6.1). However, this variant has been reported in an individual with Crigler-Najjar syndrome (Liu et al. 2012. PubMed ID: 22710376). This variant is reported in 0.090% of alleles in individuals of East Asian descent in gnomAD. Although we suspect that this variant may be benign, at this time, the clinical significance of this variant is uncertain due to the absence of conclusive functional and genetic evidence.

Eurofins Ntd Llc (ga)
Classification: Uncertain significance. Last evaluated: 2018-03-02. Review status: criteria provided, single submitter. Criteria: EGL ClinVar v180209 classification definitions. Collection method: clinical testing. Allele origin: germline. Observed: 1 variant allele, 1 heterozygote.